The following is an entry in ClinVar:

ClinVar aggregate classification (germline): Uncertain significance (1 of 4 stars; one submission).

Conditions:
Inborn genetic diseases. Identifiers: MedGen C0950123, MeSH D030342.

Submission:

Ambry Genetics
Classification: Uncertain significance for Inborn genetic diseases. Last evaluated: 2024-03-27. Review status: criteria provided, single submitter. Criteria: Ambry Variant Classification Scheme 2023. Collection method: clinical testing. Allele origin: germline.
Comment: The p.P1212A variant (also known as c.3634C>G), located in coding exon 27 of the LRRK2 gene, results from a C to G substitution at nucleotide position 3634. The proline at codon 1212 is replaced by alanine, an amino acid with highly similar properties. This amino acid position is conserved. In addition, the in silico prediction for this alteration is inconclusive. Based on the available evidence, the clinical significance of this alteration remains unclear.

NM_198578.4(LRRK2):c.3634C>G (p.Pro1212Ala)

Gene: LRRK2 (leucine rich repeat kinase 2; plus strand). Cytogenetic location: 12q12.
Variant type: single nucleotide variant.
Coding change: c.3634C>G on transcript NM_198578.4 (MANE Select); coding-DNA position 3634, C replaced by G.
Protein change: p.Pro1212Ala; replaces proline 1212 with alanine.
Molecular consequence: missense variant.
Genome position (GRCh38, 1-based): chr12:40,303,991, C>G. VCF-style: chr12-40303991-C-G. GRCh37 (hg19) VCF-style: chr12-40697793-C-G.
Other names: short protein forms P1212A.
Identifiers: ClinVar variation 3291934 (VCV003291934.1).